The following is an entry in ClinVar:

NM_152296.5(ATP1A3):c.826A>G (p.Ile276Val)

Gene: ATP1A3 (ATPase Na+/K+ transporting subunit alpha 3; minus strand). Cytogenetic location: 19q13.2.
Variant type: single nucleotide variant.
Coding change: c.826A>G on transcript NM_152296.5 (MANE Select); coding-DNA position 826, A replaced by G.
Protein change: p.Ile276Val; replaces isoleucine 276 with valine.
Molecular consequence: missense variant.
Genome position (GRCh38, 1-based): chr19:41,985,085, T>C on the plus strand (A>G on the coding strand, the complement: ATP1A3 is on the minus strand). VCF-style: chr19-41985085-T-C. GRCh37 (hg19) VCF-style: chr19-42489237-T-C.
Other names: c.859A>G, p.Ile287Val (NM_001256213.2); c.865A>G, p.Ile289Val (NM_001256214.2); short protein forms I276V, I287V, I289V.
Identifiers: ClinVar variation 3341024 (VCV003341024.1).

ClinVar aggregate classification (germline): Uncertain significance (1 of 4 stars; one submission).

Submission:

GeneDx
Classification: Uncertain significance. Last evaluated: 2023-11-14. Review status: criteria provided, single submitter. Criteria: GeneDx Variant Classification Process June 2021. Collection method: clinical testing. Allele origin: germline. Affected: yes.
Comment: Not observed at significant frequency in large population cohorts (gnomAD); In silico analysis supports that this missense variant does not alter protein structure/function; Has not been previously published as pathogenic or benign to our knowledge